The following is an entry in ClinVar:

ClinVar aggregate classification (germline): Uncertain significance (1 of 4 stars; one submission).

Allele frequency attached by ClinVar (database versions not stated): gnomAD exomes below 0.00001 and 0.00001; ExAC 0.00002.
gnomAD v4.1: 7 of 1,613,944 alleles (0.00043%); highest among the groups gnomAD compares: Non-Finnish European, 0.00059%; no homozygotes.

Submission:

Labcorp Genetics (formerly Invitae), Labcorp
Classification: Uncertain significance. Last evaluated: 2022-02-11. Review status: criteria provided, single submitter. Criteria: Invitae Variant Classification Sherloc (09022015). Collection method: clinical testing. Allele origin: germline.
Comment: In summary, the available evidence is currently insufficient to determine the role of this variant in disease. Therefore, it has been classified as a Variant of Uncertain Significance. Algorithms developed to predict the effect of missense changes on protein structure and function output the following: SIFT: "Deleterious"; PolyPhen-2: "Benign"; Align-GVGD: "Class C0". The glutamic acid amino acid residue is found in multiple mammalian species, which suggests that this missense change does not adversely affect protein function. ClinVar contains an entry for this variant (Variation ID: 1042579). This variant has not been reported in the literature in individuals affected with DDX58-related conditions. This variant is present in population databases (rs758863718, gnomAD 0.0009%). This sequence change replaces aspartic acid, which is acidic and polar, with glutamic acid, which is acidic and polar, at codon 910 of the DDX58 protein (p.Asp910Glu).

NM_014314.4(RIGI):c.2730C>G (p.Asp910Glu)

Gene: RIGI (RNA sensor RIG-I; minus strand). Cytogenetic location: 9p21.1.
Variant type: single nucleotide variant.
Coding change: c.2730C>G on transcript NM_014314.4 (MANE Select); coding-DNA position 2730, C replaced by G.
Protein change: p.Asp910Glu; replaces aspartic acid 910 with glutamic acid.
Molecular consequence: missense variant.
Genome position (GRCh38, 1-based): chr9:32,457,170, G>C on the plus strand (C>G on the coding strand, the complement: RIGI is on the minus strand). VCF-style: chr9-32457170-G-C. GRCh37 (hg19) VCF-style: chr9-32457168-G-C.
Other names: c.2724C>G, p.Asp908Glu (NM_001385907.1); c.2559C>G, p.Asp853Glu (NM_001385909.1); c.2289C>G, p.Asp763Glu (NM_001385910.1); c.2121C>G, p.Asp707Glu (NM_001385912.1); c.2715C>G, p.Asp905Glu (NM_001385913.1); c.2286C>G, p.Asp762Glu (NM_001385914.1); short protein forms D853E, D905E, D908E, D707E, D762E, D763E, D910E.
Identifiers: ClinVar variation 1042579 (VCV001042579.8), dbSNP rs758863718, ClinGen allele CA5019424.